The following is an entry in ClinVar:

NM_015570.4(AUTS2):c.611A>G (p.Glu204Gly)

Gene: AUTS2 (activator of transcription and developmental regulator AUTS2; plus strand). Cytogenetic location: 7q11.22.
Variant type: single nucleotide variant.
Coding change: c.611A>G on transcript NM_015570.4 (MANE Select); coding-DNA position 611, A replaced by G.
Protein change: p.Glu204Gly; replaces glutamic acid 204 with glycine.
Molecular consequence: missense variant.
Genome position (GRCh38, 1-based): chr7:70,118,220, A>G. VCF-style: chr7-70118220-A-G. GRCh37 (hg19) VCF-style: chr7-69583206-A-G.
Other names: c.611A>G, p.Glu204Gly (NM_001127231.3, NM_001127232.3); short protein forms E204G.
Identifiers: ClinVar variation 377186 (VCV000377186.45), dbSNP rs149961458, ClinGen allele CA4280358.

ClinVar aggregate classification (germline): Benign/Likely benign. Review status: criteria provided, multiple submitters, no conflicts (2 of 4 stars). 10 submissions from 10 submitters: Benign (1); Likely benign (6). 3 of the submissions do not count toward it. Last evaluated 2026-02-01.

Conditions:
AUTS2-related disorder. Also called: AUTS2-related condition.
Autism spectrum disorder due to AUTS2 deficiency (MRD26). Also called: INTELLECTUAL DEVELOPMENTAL DISORDER, AUTOSOMAL DOMINANT 26. Identifiers: Orphanet 352490, MedGen C4014435, MONDO:0014361, OMIM 615834.
Inborn genetic diseases. Identifiers: MedGen C0950123, MeSH D030342.

Allele frequency attached by ClinVar (database versions not stated): 1000 Genomes Project 30x 0.00031; ESP Exome Variant Server 0.00069; TOPMed 0.00131; gnomAD 0.00136 and 0.00140; gnomAD exomes 0.00160 and 0.00239; ExAC 0.00172; 1000 Genomes Project 0.00020.
gnomAD v4.1: 3,618 of 1,594,876 alleles (0.23%); highest among the groups gnomAD compares: Non-Finnish European, 0.29%; 10 homozygotes.

Submissions (10):

CeGaT Center for Human Genetics Tuebingen
Classification: Likely benign. Last evaluated: 2026-02-01. Review status: criteria provided, single submitter. Criteria: CeGaT Center For Human Genetics Tuebingen Variant Classification Criteria Version 2. Collection method: clinical testing. Allele origin: germline. Affected: yes. Observed: 10 variant alleles.
Comment: AUTS2: BS1

Labcorp Genetics (formerly Invitae), Labcorp
Classification: Likely benign. Last evaluated: 2026-01-19. Review status: criteria provided, single submitter. Criteria: Invitae Variant Classification Sherloc (09022015). Collection method: clinical testing. Allele origin: germline.

Ambry Genetics
Classification: Likely benign for Inborn genetic diseases. Last evaluated: 2021-09-01. Review status: criteria provided, single submitter. Criteria: Ambry Variant Classification Scheme 2023. Collection method: clinical testing. Allele origin: germline.

Mendelics
Classification: Likely benign for Autism spectrum disorder due to AUTS2 deficiency. Last evaluated: 2019-05-28. Review status: criteria provided, single submitter. Criteria: Mendelics Assertion Criteria 2017. Collection method: clinical testing. Allele origin: unknown.

GeneDx
Classification: Benign. Last evaluated: 2019-01-28. Review status: criteria provided, single submitter. Criteria: GeneDx Variant Classification Process June 2021. Collection method: clinical testing. Allele origin: germline. Affected: yes.

Center for Pediatric Genomic Medicine, Children's Mercy Hospital and Clinics
Classification: Likely benign. Last evaluated: 2016-11-11. Review status: criteria provided, single submitter. Criteria: ACMG Guidelines, 2015. Collection method: clinical testing. Allele origin: germline.
ClinVar note: Converted during submission from Likely Benign to Likely benign.

Breakthrough Genomics
Classification: Likely benign. Review status: criteria provided, single submitter. Criteria: ACMG Guidelines, 2015. Collection method: not provided. Allele origin: germline. Inheritance: Autosomal dominant inheritance. Affected: yes.

PreventionGenetics, part of Exact Sciences
Classification: Likely benign for AUTS2-related condition. Last evaluated: 2019-05-01. Review status: no assertion criteria provided. Collection method: clinical testing. Allele origin: germline. Not counted in ClinVar's aggregate classification.
Comment: This variant is classified as likely benign based on ACMG/AMP sequence variant interpretation guidelines (Richards et al. 2015 PMID: 25741868, with internal and published modifications).

Clinical Genetics DNA and cytogenetics Diagnostics Lab, Erasmus MC, Erasmus Medical Center
Classification: Likely benign. Review status: no assertion criteria provided. Collection method: clinical testing. Allele origin: germline. Affected: yes. Study: VKGL Data-share Consensus. Not counted in ClinVar's aggregate classification.

Diagnostic Laboratory, Department of Genetics, University Medical Center Groningen
Classification: Likely benign. Review status: no assertion criteria provided. Collection method: clinical testing. Allele origin: germline. Affected: yes. Study: VKGL Data-share Consensus. Not counted in ClinVar's aggregate classification.